The following is an entry in ClinVar:

NM_025132.4(WDR19):c.200A>G (p.Asp67Gly)

Gene: WDR19 (WD repeat domain 19; plus strand). Cytogenetic location: 4p14.
Variant type: single nucleotide variant.
Coding change: c.200A>G on transcript NM_025132.4 (MANE Select); coding-DNA position 200, A replaced by G.
Protein change: p.Asp67Gly; replaces aspartic acid 67 with glycine.
Molecular consequence: missense variant. On other transcripts: 5 prime UTR variant (1).
Genome position (GRCh38, 1-based): chr4:39,189,691, A>G. VCF-style: chr4-39189691-A-G. GRCh37 (hg19) VCF-style: chr4-39191311-A-G.
Other names: c.-165A>G (NM_001317924.2); short protein forms D67G.
Identifiers: ClinVar variation 1365785 (VCV001365785.6), dbSNP rs778896318, ClinGen allele CA2891565.
Genomic context (GRCh38, chr4:39,189,691, plus strand): 5'-GGTATTTTGCTCTCTTTTTTAAAAGTAACTGTGTTGCCATGGATTGGGATAAAGATGGAG[A>G]TGTCCTAGCAGTGATTGCTGAGAAATCTAGCTGCATTTATCTTTGGGATGCCAACACAAA-3'
Protein context (NP_079408.3, residues 57-77): CVAMDWDKDG[Asp67Gly]VLAVIAEKSS

ClinVar aggregate classification (germline): Uncertain significance. Review status: criteria provided, multiple submitters, no conflicts (2 of 4 stars). 3 submissions from 3 submitters: Uncertain significance (3). Last evaluated 2024-06-08.

Conditions:
Asphyxiating thoracic dystrophy 5 (SRTD5). Also called: SHORT-RIB THORACIC DYSPLASIA 5 WITHOUT POLYDACTYLY; SHORT-RIB THORACIC DYSPLASIA 5 WITH OR WITHOUT POLYDACTYLY. Identifiers: Orphanet 474, MedGen C3280598, MONDO:0013717, OMIM 614376.
Nephronophthisis 13 (NPHP13). Identifiers: Orphanet 655, MedGen C3280612, MONDO:0013718, OMIM 614377.
Cranioectodermal dysplasia 4 (CED4). Identifiers: Orphanet 1515, MedGen C3280616, MONDO:0013719, OMIM 614378.
Spermatogenic failure 72 (SPGF72). Identifiers: MedGen C5676980, MONDO:0030809, OMIM 619867.
Senior-Loken syndrome 8 (SLSN8). Identifiers: Orphanet 3156, MedGen C4225376, MONDO:0014579, OMIM 616307.

Allele frequency attached by ClinVar (database versions not stated): gnomAD exomes 0.00001 and 0.00002; gnomAD 0.00002; TOPMed 0.00002; ExAC 0.00003.
gnomAD v4.1: 21 of 1,608,320 alleles (0.0013%); highest among the groups gnomAD compares: Non-Finnish European, 0.0018%; no homozygotes.

Submissions (3):

Fulgent Genetics
Classification: Uncertain significance for Asphyxiating thoracic dystrophy 5; Nephronophthisis 13; Cranioectodermal dysplasia 4; Senior-Loken syndrome 8; Spermatogenic failure 72. Last evaluated: 2024-06-08. Review status: criteria provided, single submitter. Criteria: ACMG Guidelines, 2015. Collection method: clinical testing. Allele origin: germline.

Labcorp Genetics (formerly Invitae), Labcorp
Classification: Uncertain significance for Senior-Loken syndrome 8; Asphyxiating thoracic dystrophy 5. Last evaluated: 2022-08-20. Review status: criteria provided, single submitter. Criteria: Invitae Variant Classification Sherloc (09022015). Collection method: clinical testing. Allele origin: germline.
Comment: In summary, the available evidence is currently insufficient to determine the role of this variant in disease. Therefore, it has been classified as a Variant of Uncertain Significance. Algorithms developed to predict the effect of sequence changes on RNA splicing suggest that this variant may create or strengthen a splice site. Algorithms developed to predict the effect of missense changes on protein structure and function (SIFT, PolyPhen-2, Align-GVGD) all suggest that this variant is likely to be disruptive. ClinVar contains an entry for this variant (Variation ID: 1365785). This variant has not been reported in the literature in individuals affected with WDR19-related conditions. This variant is present in population databases (rs778896318, gnomAD 0.005%). This sequence change replaces aspartic acid, which is acidic and polar, with glycine, which is neutral and non-polar, at codon 67 of the WDR19 protein (p.Asp67Gly).

Blueprint Genetics
Classification: Uncertain significance. Last evaluated: 2021-05-14. Review status: criteria provided, single submitter. Criteria: ACMG Guidelines, 2015. Collection method: clinical testing. Allele origin: germline.